The following is an entry in ClinVar:

NM_001165963.4(SCN1A):c.2794T>C (p.Trp932Arg)

Gene: SCN1A (sodium voltage-gated channel alpha subunit 1; minus strand). Cytogenetic location: 2q24.3.
Variant type: single nucleotide variant.
Coding change: c.2794T>C on transcript NM_001165963.4 (MANE Select); coding-DNA position 2794, T replaced by C.
Protein change: p.Trp932Arg; replaces tryptophan 932 with arginine.
Molecular consequence: missense variant. On other transcripts: non-coding transcript variant (1).
Genome position (GRCh38, 1-based): chr2:166,037,928, A>G on the plus strand (T>C on the coding strand, the complement: SCN1A is on the minus strand). VCF-style: chr2-166037928-A-G. GRCh37 (hg19) VCF-style: chr2-166894438-A-G.
Other names: c.2710T>C, p.Trp904Arg (NM_001165964.3, NM_001353957.2, NM_001353958.2); c.2794T>C, p.Trp932Arg (NM_001202435.3, NM_001353948.2); c.2761T>C, p.Trp921Arg (NM_001353949.2, NM_001353950.2, NM_001353951.2 and 2 more transcripts); c.2758T>C, p.Trp920Arg (NM_001353954.2, NM_001353955.2); c.2707T>C, p.Trp903Arg (NM_001353960.2); c.352T>C, p.Trp118Arg (NM_001353961.2); short protein forms W118R, W903R, W904R, W920R, W921R, W932R.
Identifiers: ClinVar variation 4856336 (VCV004856336.2).

ClinVar aggregate classification (germline): Likely pathogenic. Review status: criteria provided, multiple submitters, no conflicts (2 of 4 stars). 2 submissions from 2 submitters: Likely pathogenic (2). Last evaluated 2025-07-08.

Conditions:
SCN1A-related disorder. Also called: SCN1A-related conditions; SCN1A-related condition; SCN1A-related disorders.

Submissions (2):

3billion
Classification: Likely pathogenic for SCN1A-related disorder. Last evaluated: 2025-07-08. Review status: criteria provided, single submitter. Criteria: ACMG Guidelines, 2015. Collection method: clinical testing. Allele origin: germline. Affected: yes.
Comment: The variant is not observed in the gnomAD v4.1.0 dataset. Predicted Consequence/Location: Missense variant In silico tool predictions suggest damaging effect of the variant on gene or gene product [REVEL: 0.89 (>=0.6, sensitivity 0.68 and specificity 0.92); 3Cnet: 0.99 (> 0.75, sensitivity 0.96 and precision 0.92)]. The different nucleotide change resulting in the same amino acid change has been previously reported to be associated with SCN1A-related disorder(PMID: 29852413).Different missense changes at the same codon (p.Trp932Cys, p.Trp932Gly) have been reported as pathogenic/likely pathogenic with strong evidence (ClinVar ID: VCV001066993, VCV001675809 /PMID: 35074891). Therefore, this variant is classified as Likely pathogenic according to the recommendation of ACMG/AMP guideline.

Blueprint Genetics
Classification: Likely pathogenic for SCN1A-related disorders. Last evaluated: 2024-05-27. Review status: criteria provided, single submitter. Criteria: ACMG Guidelines, 2015. Collection method: clinical testing. Allele origin: germline. Affected: yes. Observed: 1 variant allele.

Literature cited by the submitters: PubMed 35074891 (cited by 3billion); PubMed 29852413 (cited by 3billion).